The following is an entry in ClinVar:

ClinVar aggregate classification (germline): Benign/Likely benign. Review status: criteria provided, multiple submitters, no conflicts (2 of 4 stars). 2 submissions from 2 submitters: Benign (1); Likely benign (1). Last evaluated 2026-06-29.

Conditions:
CREBBP-related disorder. Also called: CREBBP-related condition; CREBBP-related disorders.
Rubinstein-Taybi syndrome (RSTS). Identifiers: Orphanet 783, MedGen C0035934, MONDO:0019188.

gnomAD v4.1: 11 of 1,614,070 alleles (0.00068%); highest among the groups gnomAD compares: African/African-American, 0.013%; no homozygotes.

Submissions (2):

PreventionGenetics, part of Exact Sciences
Classification: Likely benign for CREBBP-related condition. Last evaluated: 2026-06-29. Review status: criteria provided, single submitter. Criteria: ACMG Guidelines, 2015. Collection method: clinical testing. Allele origin: germline.
Comment: This variant is classified as likely benign based on ACMG/AMP sequence variant interpretation guidelines (Richards et al. 2015 PMID: 25741868, with internal and published modifications).

Labcorp Genetics (formerly Invitae), Labcorp
Classification: Benign for Rubinstein-Taybi syndrome. Last evaluated: 2024-05-22. Review status: criteria provided, single submitter. Criteria: Invitae Variant Classification Sherloc (09022015). Collection method: clinical testing. Allele origin: germline.

NM_004380.3(CREBBP):c.411A>T (p.Ala137=)

Gene: CREBBP (CREB binding lysine acetyltransferase; minus strand). Cytogenetic location: 16p13.3.
Variant type: single nucleotide variant.
Coding change: c.411A>T on transcript NM_004380.3 (MANE Select); coding-DNA position 411, A replaced by T.
Protein change: p.Ala137=; no amino-acid change (alanine 137 retained).
Molecular consequence: synonymous variant.
Genome position (GRCh38, 1-based): chr16:3,850,684, T>A on the plus strand (A>T on the coding strand, the complement: CREBBP is on the minus strand). VCF-style: chr16-3850684-T-A. GRCh37 (hg19) VCF-style: chr16-3900685-T-A.
Other names: c.411A>T, p.Ala137= (NM_001079846.1); c.411A>T (NM_004380.2).
Identifiers: ClinVar variation 3664937 (VCV003664937.3).
Genomic context (GRCh38, chr16:3,850,684, plus strand): 5'-CTTTTGTGCTTGCGGATTCAGTGCTTGGGAGGCAGCGGGGGTGGGCCCAGAGGTGCTGGC[T>A]GCCTGTTTAGGCAGGCTGGGGGCTGAAGAATCTCCCTGGCTCAGAGGGCTCTTGCCCATG-3'
Protein context (NP_004371.2, residues 127-147): DSSAPSLPKQ[Ala137=]ASTSGPTPAA